The following is an entry in ClinVar:

NM_001079802.2(FKTN):c.193A>G (p.Thr65Ala)

Gene: FKTN (fukutin; plus strand). Cytogenetic location: 9q31.2.
Variant type: single nucleotide variant.
Coding change: c.193A>G on transcript NM_001079802.2 (MANE Select); coding-DNA position 193, A replaced by G.
Protein change: p.Thr65Ala; replaces threonine 65 with alanine.
Molecular consequence: missense variant. On other transcripts: 5 prime UTR variant (4), non-coding transcript variant (2).
Genome position (GRCh38, 1-based): chr9:105,601,172, A>G. VCF-style: chr9-105601172-A-G. GRCh37 (hg19) VCF-style: chr9-108363453-A-G.
Other names: c.193A>G, p.Thr65Ala (NM_001198963.2, NM_001351496.2, NM_001351498.2 and 1 more transcripts); c.124A>G, p.Thr42Ala (NM_001351497.2); c.-322A>G (NM_001351499.2, NM_001351500.2, NM_001351501.2 and 1 more transcripts); short protein forms T65A, T42A.
Identifiers: ClinVar variation 961885 (VCV000961885.9), dbSNP rs762827229, ClinGen allele CA374331450.

ClinVar aggregate classification (germline): Uncertain significance (1 of 4 stars; one submission).

Conditions:
Walker-Warburg congenital muscular dystrophy. Also called: Muscular dystrophy-dystroglycanopathy, type A; Walker-Warburg syndrome. Identifiers: Orphanet 899, MedGen C0265221, MONDO:0000171.

Submission:

Labcorp Genetics (formerly Invitae), Labcorp
Classification: Uncertain significance for Walker-Warburg congenital muscular dystrophy. Last evaluated: 2019-09-12. Review status: criteria provided, single submitter. Criteria: Invitae Variant Classification Sherloc (09022015). Collection method: clinical testing. Allele origin: germline.
Comment: This variant has not been reported in the literature in individuals with FKTN-related conditions. This sequence change replaces threonine with alanine at codon 65 of the FKTN protein (p.Thr65Ala). The threonine residue is weakly conserved and there is a small physicochemical difference between threonine and alanine. This variant is not present in population databases (ExAC no frequency). Algorithms developed to predict the effect of missense changes on protein structure and function output the following: SIFT: "Tolerated"; PolyPhen-2: "Benign"; Align-GVGD: "Class C0". The alanine amino acid residue is found in multiple mammalian species, suggesting that this missense change does not adversely affect protein function. These predictions have not been confirmed by published functional studies and their clinical significance is uncertain. Algorithms developed to predict the effect of sequence changes on RNA splicing suggest that this variant may create or strengthen a splice site, but this prediction has not been confirmed by published transcriptional studies. In summary, the available evidence is currently insufficient to determine the role of this variant in disease. Therefore, it has been classified as a Variant of Uncertain Significance.